The following is an entry in ClinVar:

ClinVar aggregate classification (germline): Uncertain significance (1 of 4 stars; one submission).

Conditions:
GLUT1 deficiency syndrome 1, autosomal recessive. Identifiers: MedGen C3149117.

Submission:

Labcorp Genetics (formerly Invitae), Labcorp
Classification: Uncertain significance for GLUT1 deficiency syndrome 1, autosomal recessive. Last evaluated: 2021-06-23. Review status: criteria provided, single submitter. Criteria: Invitae Variant Classification Sherloc (09022015). Collection method: clinical testing. Allele origin: germline.
Comment: This sequence change replaces glycine with alanine at codon 408 of the SLC2A1 protein (p.Gly408Ala). The glycine residue is moderately conserved and there is a small physicochemical difference between glycine and alanine. This variant is not present in population databases (ExAC no frequency). This variant has not been reported in the literature in individuals with SLC2A1-related conditions. Algorithms developed to predict the effect of missense changes on protein structure and function are either unavailable or do not agree on the potential impact of this missense change (SIFT: "Tolerated"; PolyPhen-2: "Probably Damaging"; Align-GVGD: "Class C0"). In summary, the available evidence is currently insufficient to determine the role of this variant in disease. Therefore, it has been classified as a Variant of Uncertain Significance.

NM_006516.4(SLC2A1):c.1223G>C (p.Gly408Ala)

Gene: SLC2A1 (solute carrier family 2 member 1; minus strand). Cytogenetic location: 1p34.2.
Variant type: single nucleotide variant.
Coding change: c.1223G>C on transcript NM_006516.4 (MANE Select); coding-DNA position 1223, G replaced by C.
Protein change: p.Gly408Ala; replaces glycine 408 with alanine.
Molecular consequence: missense variant.
Genome position (GRCh38, 1-based): chr1:42,927,660, C>G on the plus strand (G>C on the coding strand, the complement: SLC2A1 is on the minus strand). VCF-style: chr1-42927660-C-G. GRCh37 (hg19) VCF-style: chr1-43393331-C-G.
Other names: short protein forms G408A.
Identifiers: ClinVar variation 1363360 (VCV001363360.8), dbSNP rs1570590876, ClinGen allele CA339953729.
Genomic context (GRCh38, chr1:42,927,660, plus strand): 5'-CTCACCTCCACATACTGGAAGCACATGCCCACAATGAAATTTGAGGTCCAGTTGGAGAAG[C>G]CTGCAACGGCAATGGCAGCTGGACGTGGACCCTGGCTGAAGAGTTCAGCCACGATGAACC-3'
Protein context (NP_006507.2, residues 398-418): GPRPAAIAVA[Gly408Ala]FSNWTSNFIV